The following is an entry in ClinVar:

ClinVar aggregate classification (germline): Uncertain significance (1 of 4 stars; one submission).

Conditions:
Cardiovascular phenotype. Identifiers: MedGen CN230736.

Submission:

Ambry Genetics
Classification: Uncertain significance for Cardiovascular phenotype. Last evaluated: 2022-01-19. Review status: criteria provided, single submitter. Criteria: Ambry Variant Classification Scheme 2023. Collection method: clinical testing. Allele origin: germline.
Comment: The p.V128L variant (also known as c.382G>C), located in coding exon 2 of the TCAP gene, results from a G to C substitution at nucleotide position 382. The valine at codon 128 is replaced by leucine, an amino acid with highly similar properties. This amino acid position is conserved. In addition, this alteration is predicted to be tolerated by in silico analysis. Since supporting evidence is limited at this time, the clinical significance of this alteration remains unclear.

NM_003673.4(TCAP):c.382G>C (p.Val128Leu)

Gene: TCAP (titin-cap; plus strand). Cytogenetic location: 17q12.
Variant type: single nucleotide variant.
Coding change: c.382G>C on transcript NM_003673.4 (MANE Select); coding-DNA position 382, G replaced by C.
Protein change: p.Val128Leu; replaces valine 128 with leucine.
Molecular consequence: missense variant.
Genome position (GRCh38, 1-based): chr17:39,665,987, G>C. VCF-style: chr17-39665987-G-C. GRCh37 (hg19) VCF-style: chr17-37822240-G-C.
Other names: short protein forms V128L.
Identifiers: ClinVar variation 1735340 (VCV001735340.2), dbSNP rs2543739948, ClinGen allele CA399305451.